The following is an entry in ClinVar:

ClinVar aggregate classification (germline): Uncertain significance (1 of 4 stars; one submission).

Conditions:
Hereditary spastic paraplegia 3A (SPG3A). Also called: SPASTIC PARAPLEGIA 3, AUTOSOMAL DOMINANT; FAMILIAL SPASTIC PARAPLEGIA, AUTOSOMAL DOMINANT, 1; SPG3; STRUMPELL DISEASE; Spastic Paraplegia 3A; Spastic paraplegia 3A, autosomal dominant. Identifiers: Orphanet 100984, MedGen C2931355, MONDO:0008437, OMIM 182600.

Submission:

Baylor Genetics
Classification: Uncertain significance for Hereditary spastic paraplegia 3A. Last evaluated: 2017-09-01. Review status: criteria provided, single submitter. Criteria: ACMG Guidelines, 2015. Collection method: clinical testing. Allele origin: de novo. Inheritance: Autosomal dominant inheritance. Affected: yes.
Comment: Two other missense mutations at the same amino acid (with different substitutions) have been described as disease-causing.

Literature cited by the submitters: PubMed 12939451; PubMed 17502470; PubMed 25326635.

NM_015915.5(ATL1):c.1222A>T (p.Met408Leu)

Gene: ATL1 (atlastin GTPase 1; plus strand). Cytogenetic location: 14q22.1.
Variant type: single nucleotide variant.
Coding change: c.1222A>T on transcript NM_015915.5 (MANE Select); coding-DNA position 1222, A replaced by T.
Protein change: p.Met408Leu; replaces methionine 408 with leucine.
Molecular consequence: missense variant.
Genome position (GRCh38, 1-based): chr14:50,628,133, A>T. VCF-style: chr14-50628133-A-T. GRCh37 (hg19) VCF-style: chr14-51094851-A-T.
Other names: c.1222A>T, p.Met408Leu (NM_001127713.1, NM_181598.4); short protein forms M408L.
Identifiers: ClinVar variation 560959 (VCV000560959.2), dbSNP rs28939094, ClinGen allele CA389675800.